The following is an entry in ClinVar:

ClinVar aggregate classification (germline): Uncertain significance (1 of 4 stars; one submission).

Conditions:
Mucolipidosis type II. Also called: Mucolipidosis II Alpha/Beta; ML II ALPHA/BETA; Mucolipidosis 2; ML 2; Inclusion cell disease; Leroy Disease. Identifiers: Orphanet 576, MedGen C2673377, MONDO:0009650, OMIM 252500.
Pseudo-Hurler polydystrophy. Also called: ML III; ML III ALPHA/BETA; Type III Mucolipidosis; ML IIIA; Mucolipidosis III Alpha/Beta; MUCOLIPIDOSIS IIIA. Identifiers: Orphanet 423461, Orphanet 577, MedGen C0033788, MONDO:0018931, OMIM 252600.

gnomAD v4.1: 1 of 1,609,838 alleles (0.000062%); highest among the groups gnomAD compares: Admixed American, 0.0017%; no homozygotes.

Submission:

Labcorp Genetics (formerly Invitae), Labcorp
Classification: Uncertain significance for Pseudo-Hurler polydystrophy; Mucolipidosis type II. Last evaluated: 2024-02-17. Review status: criteria provided, single submitter. Criteria: Invitae Variant Classification Sherloc (09022015). Collection method: clinical testing. Allele origin: germline.
Comment: This sequence change replaces glutamine, which is neutral and polar, with glutamic acid, which is acidic and polar, at codon 9 of the GNPTAB protein (p.Gln9Glu). This variant is not present in population databases (gnomAD no frequency). This variant has not been reported in the literature in individuals affected with GNPTAB-related conditions. Advanced modeling of protein sequence and biophysical properties (such as structural, functional, and spatial information, amino acid conservation, physicochemical variation, residue mobility, and thermodynamic stability) has been performed at Invitae for this missense variant, however the output from this modeling did not meet the statistical confidence thresholds required to predict the impact of this variant on GNPTAB protein function. In summary, the available evidence is currently insufficient to determine the role of this variant in disease. Therefore, it has been classified as a Variant of Uncertain Significance.

NM_024312.5(GNPTAB):c.25C>G (p.Gln9Glu)

Gene: GNPTAB (N-acetylglucosamine-1-phosphate transferase subunits alpha and beta; minus strand). Cytogenetic location: 12q23.2.
Variant type: single nucleotide variant.
Coding change: c.25C>G on transcript NM_024312.5 (MANE Select); coding-DNA position 25, C replaced by G.
Protein change: p.Gln9Glu; replaces glutamine 9 with glutamic acid.
Molecular consequence: missense variant.
Genome position (GRCh38, 1-based): chr12:101,830,651, G>C on the plus strand (C>G on the coding strand, the complement: GNPTAB is on the minus strand). VCF-style: chr12-101830651-G-C. GRCh37 (hg19) VCF-style: chr12-102224429-G-C.
Other names: short protein forms Q9E.
Identifiers: ClinVar variation 3762971 (VCV003762971.2).
Genomic context (GRCh38, chr12:101,830,651, plus strand): 5'-CAACGACGCCCAAGAAGCACACGTAGAGCCCATACCTGTGGGACAGGCAGGTATAGGTCT[G>C]TCTCTGCAGGAGCTTGAACAGCATCACCCCTTCACCGCCACGCCACGCCCCGAGGAGCCT-3'
Protein context (NP_077288.2, residues 1-19): MLFKLLQR[Gln9Glu]TYTCLSHRYG